The following is an entry in ClinVar:

NM_031206.7(LAS1L):c.2047C>T (p.Gln683Ter)

Gene: LAS1L (LAS1 like ribosome biogenesis factor; minus strand). Cytogenetic location: Xq12.
Variant type: single nucleotide variant.
Coding change: c.2047C>T on transcript NM_031206.7 (MANE Select); coding-DNA position 2047, C replaced by T.
Protein change: p.Gln683Ter; replaces glutamine 683 with a stop codon.
Molecular consequence: nonsense. On other transcripts: non-coding transcript variant (1).
Genome position (GRCh38, 1-based): chrX:65,514,854, G>A on the plus strand (C>T on the coding strand, the complement: LAS1L is on the minus strand). VCF-style: chrX-65514854-G-A. GRCh37 (hg19) VCF-style: chrX-64734734-G-A.
Other names: c.1996C>T, p.Gln666Ter (NM_001170649.2); c.1870C>T, p.Gln624Ter (NM_001170650.2); c.2044C>T, p.Gln682Ter (NM_001375328.1); c.1090C>T, p.Gln364Ter (NM_001375332.1); c.1993C>T, p.Gln665Ter (NM_001375333.1); short protein forms Q683*, Q624*, Q666*, Q364*, Q665*, Q682*.
Identifiers: ClinVar variation 384751 (VCV000384751.4), dbSNP rs1057522039, ClinGen allele CA16609203.
Genomic context (GRCh38, chrX:65,514,854, plus strand): 5'-TGAGAAATCCTGTTGCCATGGGCACTCACTCAGTCTTGCATGTTGAGGGTTCCAGCCGCT[G>A]CTCTAGCACAGGCTGGTCCAAAAGATACATGGTGTCATAATTCTCCAGCATGAGCTCTGC-3'

ClinVar aggregate classification (germline): Likely pathogenic (1 of 4 stars; one submission).

Submission:

GeneDx
Classification: Likely pathogenic. Last evaluated: 2019-04-24. Review status: criteria provided, single submitter. Criteria: GeneDx Variant Classification Process June 2021. Collection method: clinical testing. Allele origin: germline. Affected: yes.
Comment: Not observed in large population cohorts (Lek et al., 2016); Nonsense variant predicted to result in protein truncation, although loss-of-function variants have not been reported downstream of this position in the protein; Has not been previously published as pathogenic or benign to our knowledge